The following is an entry in ClinVar:

ClinVar aggregate classification (germline): Conflicting classifications of pathogenicity. Review status: criteria provided, conflicting classifications (1 of 4 stars). 5 submissions from 5 submitters: Uncertain significance (4); Likely benign (1). Last evaluated 2026-04-23.

Conditions:
Hereditary cancer-predisposing syndrome. Also called: Tumor predisposition; Hereditary Cancer Syndrome; Hereditary neoplastic syndrome; Neoplastic Syndromes, Hereditary. Identifiers: Orphanet 140162, MedGen C0027672, MeSH D009386, MONDO:0015356.
Familial cancer of breast. Also called: hereditary breast carcinoma; BREAST CANCER, FAMILIAL; Hereditary breast cancer. Identifiers: Orphanet 227535, MedGen C0346153, MONDO:0016419, OMIM 114480. Disease mechanism: loss of function.
Hereditary breast ovarian cancer syndrome. Also called: Hereditary breast and ovarian cancer syndrome (HBOC); Breast and ovarian cancer; Hereditary breast and ovarian cancer; Hereditary breast and ovarian cancer syndrome; BRCA1- and BRCA2-Associated Hereditary Breast and Ovarian Cancer; Hereditary breast and/or ovarian cancer syndrome. Identifiers: Orphanet 145, MedGen C0677776, MeSH D061325, MONDO:0003582. Disease mechanism: loss of function.

Allele frequency attached by ClinVar (database versions not stated): TOPMed below 0.00001; ExAC 0.00001; gnomAD 0.00001; gnomAD exomes 0.00001.
gnomAD v4.1: 3 of 1,613,904 alleles (0.00019%); highest among the groups gnomAD compares: Admixed American, 0.005%; no homozygotes.

Submissions (5):

Women's Health and Genetics/Laboratory Corporation of America, LabCorp
Classification: Uncertain significance. Last evaluated: 2026-04-23. Review status: criteria provided, single submitter. Criteria: LabCorp Variant Classification Summary - May 2015. Collection method: clinical testing. Allele origin: germline.

Ambry Genetics
Classification: Likely benign for Hereditary cancer-predisposing syndrome. Last evaluated: 2025-05-15. Review status: criteria provided, single submitter. Criteria: Ambry Variant Classification Scheme 2023. Collection method: clinical testing. Allele origin: germline.

Labcorp Genetics (formerly Invitae), Labcorp
Classification: Uncertain significance for Hereditary breast ovarian cancer syndrome. Last evaluated: 2024-02-13. Review status: criteria provided, single submitter. Criteria: Invitae Variant Classification Sherloc (09022015). Collection method: clinical testing. Allele origin: germline.
Comment: This sequence change replaces glutamine, which is neutral and polar, with histidine, which is basic and polar, at codon 3066 of the BRCA2 protein (p.Gln3066His). This variant is present in population databases (rs745758977, gnomAD 0.006%). This variant has not been reported in the literature in individuals affected with BRCA2-related conditions. ClinVar contains an entry for this variant (Variation ID: 481590). Advanced modeling of protein sequence and biophysical properties (such as structural, functional, and spatial information, amino acid conservation, physicochemical variation, residue mobility, and thermodynamic stability) performed at Invitae indicates that this missense variant is not expected to disrupt BRCA2 protein function with a negative predictive value of 95%. In summary, the available evidence is currently insufficient to determine the role of this variant in disease. Therefore, it has been classified as a Variant of Uncertain Significance.

Baylor Genetics
Classification: Uncertain significance for Familial cancer of breast. Last evaluated: 2024-01-02. Review status: criteria provided, single submitter. Criteria: ACMG Guidelines, 2015. Collection method: clinical testing. Allele origin: unknown.

GeneDx
Classification: Uncertain significance. Last evaluated: 2019-11-13. Review status: criteria provided, single submitter. Criteria: GeneDx Variant Classification Process June 2021. Collection method: clinical testing. Allele origin: germline. Affected: yes.
Comment: In silico analysis, which includes protein predictors and evolutionary conservation, supports that this variant does not alter protein structure/function; Also known as 9426G>C

NM_000059.4(BRCA2):c.9198G>C (p.Gln3066His)

Gene: BRCA2 (BRCA2 DNA repair associated; plus strand). Cytogenetic location: 13q13.1.
Variant type: single nucleotide variant.
Coding change: c.9198G>C on transcript NM_000059.4 (MANE Select); coding-DNA position 9198, G replaced by C.
Protein change: p.Gln3066His; replaces glutamine 3066 with histidine.
Molecular consequence: missense variant.
Genome position (GRCh38, 1-based): chr13:32,380,087, G>C. VCF-style: chr13-32380087-G-C. GRCh37 (hg19) VCF-style: chr13-32954224-G-C.
Other names: short protein forms Q3066H.
Identifiers: ClinVar variation 481590 (VCV000481590.18), dbSNP rs745758977, ClinGen allele CA6941353.